The following is an entry in ClinVar:

NM_001040142.2(SCN2A):c.2810G>A (p.Arg937His)

Gene: SCN2A (sodium voltage-gated channel alpha subunit 2; plus strand). Cytogenetic location: 2q24.3.
Variant type: single nucleotide variant.
Coding change: c.2810G>A on transcript NM_001040142.2 (MANE Select); coding-DNA position 2810, G replaced by A.
Protein change: p.Arg937His; replaces arginine 937 with histidine.
Molecular consequence: missense variant.
Genome position (GRCh38, 1-based): chr2:165,344,802, G>A. VCF-style: chr2-165344802-G-A. GRCh37 (hg19) VCF-style: chr2-166201312-G-A.
Other names: c.2810G>A, p.Arg937His (NM_001040143.2, NM_001371246.1, NM_001371247.1 and 1 more transcripts); short protein forms R937H.
Identifiers: ClinVar variation 432034 (VCV000432034.35), dbSNP rs1553579488, ClinGen allele CA349015776.

ClinVar aggregate classification (germline): Pathogenic/Likely pathogenic. Review status: criteria provided, multiple submitters, no conflicts (2 of 4 stars). 6 submissions from 6 submitters: Pathogenic (3); Likely pathogenic (1). 2 of the submissions do not count toward it. Last evaluated 2023-09-26.

Conditions:
Episodic ataxia, type 9. Identifiers: MedGen C5394520, MONDO:0030064, OMIM 618924.
Infantile spasms. Also called: Infantile spasm. Identifiers: MedGen C3887898, HP:0012469.
Developmental and epileptic encephalopathy, 11 (DEE11). Also called: Early infantile epileptic encephalopathy 11. Identifiers: Orphanet 1934, MedGen C3150987, MONDO:0013388, OMIM 613721.
SCN2A-related disorder. Also called: SCN2A-related disorders; SCN2A-related condition. Identifiers: MedGen CN382226, MONDO:1060245.
Seizures, benign familial infantile, 3 (BFIS3). Also called: Familial neonatal seizures; CONVULSIONS, BENIGN FAMILIAL INFANTILE, 3. Identifiers: Orphanet 140927, Orphanet 306, MedGen C1843140, MONDO:0011904, OMIM 607745.

Allele frequency attached by ClinVar (database versions not stated): gnomAD exomes below 0.00001; TOPMed below 0.00001.
gnomAD v4.1: 1 of 1,614,140 alleles (0.000062%); highest among the groups gnomAD compares: Non-Finnish European, 0.000085%; no homozygotes.

Submissions (7):

Blueprint Genetics
Classification: Pathogenic for SCN2A-related disorders. Last evaluated: 2023-09-26. Review status: criteria provided, single submitter. Criteria: ACMG Guidelines, 2015. Collection method: clinical testing. Allele origin: de novo. Affected: yes. Observed: 2 variant alleles.

Pittsburgh Clinical Genomics Laboratory, University of Pittsburgh Medical Center
Classification: Pathogenic for Episodic ataxia, type 9. Last evaluated: 2023-01-27. Review status: criteria provided, single submitter. Criteria: ACMG Guidelines, 2015. Collection method: clinical testing. Allele origin: germline. Inheritance: Autosomal dominant inheritance. Affected: yes.
Comment: This sequence variant is a single nucleotide substitution (G>A) at coding nucleotide 2810 in the SCN2A gene which results in an arginine to histidine amino acid change at residue 937 in the SCN2A protein. This is a previously reported variant (ClinVar) which has been observed as a de novo variant in an individual with autism (PMID: 25363760). This variant is absent from the gnomAD population database (0/~282000 alleles). Multiple bioinformatic tools predict that this arginine to histidine amino acid change will be damaging, and arginine is highly conserved at this position in vertebrates. In vitro studies indicate that this variant elimites SCN2A protein voltage-gated sodium channel activity (PMID: 28256214). Based upon the available evidence, we consider this variant to be pathogenic. ACMG Criteria: PM2, PP3, PS2, PS3

Labcorp Genetics (formerly Invitae), Labcorp
Classification: Likely pathogenic for Seizures, benign familial infantile, 3; Developmental and epileptic encephalopathy, 11. Last evaluated: 2022-11-29. Review status: criteria provided, single submitter. Criteria: Invitae Variant Classification Sherloc (09022015). Collection method: clinical testing. Allele origin: germline.
Comment: This missense change has been observed in individual(s) with clinical features of SCN2A-related conditions (PMID: 27824329, 28628100, 29655203, 31332282, 31785789, 31981491). This variant is not present in population databases (gnomAD no frequency). This sequence change replaces arginine, which is basic and polar, with histidine, which is basic and polar, at codon 937 of the SCN2A protein (p.Arg937His). ClinVar contains an entry for this variant (Variation ID: 432034). This variant disrupts the p.Arg937 amino acid residue in SCN2A. Other variant(s) that disrupt this residue have been determined to be pathogenic (PMID: 31957018). This suggests that this residue is clinically significant, and that variants that disrupt this residue are likely to be disease-causing. Experimental studies have shown that this missense change affects SCN2A function (PMID: 28256214). Advanced modeling of protein sequence and biophysical properties (such as structural, functional, and spatial information, amino acid conservation, physicochemical variation, residue mobility, and thermodynamic stability) performed at Invitae indicates that this missense variant is expected to disrupt SCN2A protein function. In summary, the currently available evidence indicates that the variant is pathogenic, but additional data are needed to prove that conclusively. Therefore, this variant has been classified as Likely Pathogenic.

GeneDx
Classification: Pathogenic. Last evaluated: 2022-08-19. Review status: criteria provided, single submitter. Criteria: GeneDx Variant Classification Process June 2021. Collection method: clinical testing. Allele origin: germline. Affected: yes.
Comment: Published functional studies demonstrate a damaging effect as cells with R937H variant proved to be non-conducting by electrophysiology data (Ben-Shalom et al., 2017); This substitution is predicted to be within the pore forming loop between the S5 and S6 transmembrane segments of the second homologous domain; Not observed at significant frequency in large population cohorts (gnomAD); Missense variants in this gene are often considered pathogenic (HGMD); In silico analysis supports that this missense variant has a deleterious effect on protein structure/function; This variant is associated with the following publications: (PMID: 23020937, 25363760, 28628100, 28191890, 29655203, 31332282, 31981491, 31785789, 33004838, 28256214, 27824329)

Biochemical Molecular Genetic Laboratory, King Abdulaziz Medical City
Classification: Likely pathogenic for Developmental and epileptic encephalopathy, 11. Last evaluated: 2020-08-07. Review status: no assertion criteria provided. Collection method: clinical testing. Allele origin: germline. Affected: yes. Not counted in ClinVar's aggregate classification.

Channelopathy-Associated Epilepsy Research Center
No classification provided (evidence only). Condition: Complex neurodevelopmental disorder. Review status: no classification provided. Collection method: literature only. Allele origin: not applicable. Functional consequence: Overall loss-of-function, Absence of peak current. Not counted in ClinVar's aggregate classification.
ClinVar note: "not provided" was previously submitted as the classification for the variant. However, the classification appeared to be based only on an observation of functional data so it was converted to no classification on 2025-07-30.

Department of Neurology, Children’s Hospital of Chongqing Medical University
Classification: Likely pathogenic for Infantile spasms. Review status: no assertion criteria provided. Criteria: ACMG Guidelines, 2015. Collection method: research. Allele origin: de novo. Affected: yes. Not counted in ClinVar's aggregate classification.

Literature cited by the submitters: PubMed 25363760 (cited by Pittsburgh Clinical Genomics Laboratory, University of Pittsburgh Medical Center); PubMed 28256214 (cited by 3 submitters); PubMed 27824329 (cited by Labcorp Genetics (formerly Invitae), Labcorp); PubMed 28628100 (cited by Labcorp Genetics (formerly Invitae), Labcorp); PubMed 29655203 (cited by Labcorp Genetics (formerly Invitae), Labcorp); PubMed 31332282 (cited by Labcorp Genetics (formerly Invitae), Labcorp); PubMed 31785789 (cited by Labcorp Genetics (formerly Invitae), Labcorp); PubMed 31981491 (cited by Labcorp Genetics (formerly Invitae), Labcorp); PubMed 31957018 (cited by Labcorp Genetics (formerly Invitae), Labcorp).